The following is an entry in ClinVar:

ClinVar aggregate classification (germline): Uncertain significance. Review status: criteria provided, multiple submitters, no conflicts (2 of 4 stars). 4 submissions from 4 submitters: Uncertain significance (4). Last evaluated 2026-03-13.

Conditions:
TTN-related disorder. Also called: TTN-related condition; TTN-related disease; TTN-related disorders.
Dilated cardiomyopathy 1G (CMD1G). Identifiers: Orphanet 154, MedGen C1858763, MONDO:0011400, OMIM 604145.
Autosomal recessive limb-girdle muscular dystrophy type 2J (LGMDR10). Also called: Limb-girdle muscular dystrophy, type 2J; MUSCULAR DYSTROPHY, LIMB-GIRDLE, AUTOSOMAL RECESSIVE 10. Identifiers: Orphanet 140922, MedGen C1837342, MONDO:0012127, OMIM 608807.

Allele frequency attached by ClinVar (database versions not stated): gnomAD exomes 0.00001 and 0.00003; gnomAD 0.00003; ExAC 0.00004; TOPMed 0.00006; ESP Exome Variant Server 0.00015.
gnomAD v4.1: 17 of 1,613,812 alleles (0.0011%); highest among the groups gnomAD compares: African/African-American, 0.0093%; no homozygotes.

Submissions (4):

PreventionGenetics, part of Exact Sciences
Classification: Uncertain significance for TTN-related condition. Last evaluated: 2026-03-13. Review status: criteria provided, single submitter. Criteria: ACMG Guidelines, 2015. Collection method: clinical testing. Allele origin: germline.
Comment: The TTN c.26C>T variant is predicted to result in the amino acid substitution p.Thr9Met. To our knowledge, this variant has not been reported in the literature in individuals with TTN-related disorders. This variant is reported in 0.018% of alleles in individuals of African descent in gnomAD. At this time, the clinical significance of this variant is uncertain due to the absence of conclusive functional and genetic evidence.

Women's Health and Genetics/Laboratory Corporation of America, LabCorp
Classification: Uncertain significance. Last evaluated: 2022-04-05. Review status: criteria provided, single submitter. Criteria: LabCorp Variant Classification Summary - May 2015. Collection method: clinical testing. Allele origin: germline.
Comment: Variant summary: TTN c.26C>T (p.Thr9Met) results in a non-conservative amino acid change located in the Z-disk domain of the encoded protein sequence. Three of five in-silico tools predict a benign effect of the variant on protein function. The variant allele was found at a frequency of 3.2e-05 in 251004 control chromosomes. The available data on variant occurrences in the general population are insufficient to allow any conclusion about variant significance. c.26C>T has been reported in the literature without evidence for causality (Huang_2021). This report does not provide unequivocal conclusions about association of the variant with Dilated Cardiomyopathy. To our knowledge, no experimental evidence demonstrating an impact on protein function has been reported. One clinical diagnostic laboratory has submitted clinical-significance assessments for this variant to ClinVar after 2014 without evidence for independent evaluation. One laboratory classified the variant as uncertain significance. Based on the evidence outlined above, the variant was classified as uncertain significance.

Labcorp Genetics (formerly Invitae), Labcorp
Classification: Uncertain significance for Dilated cardiomyopathy 1G; Autosomal recessive limb-girdle muscular dystrophy type 2J. Last evaluated: 2017-02-24. Review status: criteria provided, single submitter. Criteria: Invitae Variant Classification Sherloc (09022015). Collection method: clinical testing. Allele origin: germline.

GeneDx
Classification: Uncertain significance. Last evaluated: 2013-10-03. Review status: criteria provided, single submitter. Criteria: GeneDx Variant Classification (06012015). Collection method: clinical testing. Allele origin: germline. Affected: yes.
Comment: Missense variants in the TTN gene are considered 'unclassified' if they are not previously reported in the literature and do not have >1% frequency in the population to be considered a polymorphism. Research indicates that truncating mutations in the TTN gene are expected to account for approximately 25% of familial and 18% of sporadic idiopathic DCM; however, truncating variants in the TTN gene have been reported in approximately 3% of reported control alleles. There has been little investigation into non-truncating variants. (Herman D et al. Truncations of titin causing dilated cardiomyopathy. N Eng J Med 366:619-628, 2012) The variant is found in DCM panel(s).

Literature cited by the submitters: PubMed 33373724 (cited by Women's Health and Genetics/Laboratory Corporation of America, LabCorp).

NM_001267550.2(TTN):c.26C>T (p.Thr9Met)

Gene: TTN (titin; minus strand). Cytogenetic location: 2q31.2.
Variant type: single nucleotide variant.
Coding change: c.26C>T on transcript NM_001267550.2 (MANE Select); coding-DNA position 26, C replaced by T.
Protein change: p.Thr9Met; replaces threonine 9 with methionine.
Molecular consequence: missense variant.
Genome position (GRCh38, 1-based): chr2:178,804,617, G>A on the plus strand (C>T on the coding strand, the complement: TTN is on the minus strand). VCF-style: chr2-178804617-G-A. GRCh37 (hg19) VCF-style: chr2-179669344-G-A.
Other names: p.T9M:ACG>ATG; c.26C>T, p.Thr9Met (NM_003319.4, NM_133378.4, NM_133379.5 and 3 more transcripts); short protein forms T9M.
Identifiers: ClinVar variation 203147 (VCV000203147.6), dbSNP rs146123323, ClinGen allele CA311439.